The following is an entry in ClinVar:

NM_007348.4(ATF6):c.40C>T (p.Pro14Ser)

Gene: ATF6 (activating transcription factor 6; plus strand). Cytogenetic location: 1q23.3.
Variant type: single nucleotide variant.
Coding change: c.40C>T on transcript NM_007348.4 (MANE Select); coding-DNA position 40, C replaced by T.
Protein change: p.Pro14Ser; replaces proline 14 with serine.
Molecular consequence: missense variant.
Genome position (GRCh38, 1-based): chr1:161,766,400, C>T. VCF-style: chr1-161766400-C-T. GRCh37 (hg19) VCF-style: chr1-161736190-C-T.
Other names: short protein forms P14S.
Identifiers: ClinVar variation 1522063 (VCV001522063.8), dbSNP rs765402374, ClinGen allele CA343380898.

ClinVar aggregate classification (germline): Uncertain significance (1 of 4 stars; one submission).

Allele frequency attached by ClinVar (database versions not stated): gnomAD 0.00001.
gnomAD v4.1: 14 of 1,613,416 alleles (0.00087%); highest among the groups gnomAD compares: Non-Finnish European, 0.0011%; no homozygotes.

Submission:

Labcorp Genetics (formerly Invitae), Labcorp
Classification: Uncertain significance. Last evaluated: 2022-07-09. Review status: criteria provided, single submitter. Criteria: Invitae Variant Classification Sherloc (09022015). Collection method: clinical testing. Allele origin: germline.
Comment: This sequence change replaces proline, which is neutral and non-polar, with serine, which is neutral and polar, at codon 14 of the ATF6 protein (p.Pro14Ser). In summary, the available evidence is currently insufficient to determine the role of this variant in disease. Therefore, it has been classified as a Variant of Uncertain Significance. Algorithms developed to predict the effect of missense changes on protein structure and function are either unavailable or do not agree on the potential impact of this missense change (SIFT: "Deleterious"; PolyPhen-2: "Benign"; Align-GVGD: "Class C0"). ClinVar contains an entry for this variant (Variation ID: 1522063). This variant has not been reported in the literature in individuals affected with ATF6-related conditions. This variant is not present in population databases (gnomAD no frequency).